The following is an entry in ClinVar:

NM_001020658.2(PUM1):c.2701G>C (p.Val901Leu)

Genes: PUM1 (pumilio RNA binding family member 1; minus strand), LOC126805680 (BRD4-independent group 4 enhancer GRCh37_chr1:31424624-31425823; plus strand). Cytogenetic location: 1p35.2.
Variant type: single nucleotide variant.
Coding change: c.2701G>C on transcript NM_001020658.2 (MANE Select); coding-DNA position 2701, G replaced by C.
Protein change: p.Val901Leu; replaces valine 901 with leucine.
Molecular consequence: missense variant.
Genome position (GRCh38, 1-based): chr1:30,952,254, C>G on the plus strand (G>C on the coding strand, the complement: PUM1 is on the minus strand). VCF-style: chr1-30952254-C-G. GRCh37 (hg19) VCF-style: chr1-31425101-C-G.
Other names: c.2701G>C, p.Val901Leu (NM_014676.3); short protein forms V901L.
Identifiers: ClinVar variation 3603185 (VCV003603185.2).

ClinVar aggregate classification (germline): Uncertain significance (1 of 4 stars; one submission).

Submission:

GeneDx
Classification: Uncertain significance. Last evaluated: 2026-08-29. Review status: criteria provided, single submitter. Criteria: GeneDx Variant Classification Process June 2021. Collection method: clinical testing. Allele origin: germline.
Comment: Not observed at significant frequency in large population cohorts (gnomAD); In silico analysis supports that this missense variant has a deleterious effect on protein structure/function; In silico analysis suggests this variant may impact gene splicing. In the absence of RNA/functional studies, the actual effect of this sequence change is unknown.; Has not been previously published as pathogenic or benign to our knowledge